The following is an entry in ClinVar:

ClinVar aggregate classification (germline): Benign/Likely benign. Review status: criteria provided, multiple submitters, no conflicts (2 of 4 stars). 5 submissions from 5 submitters: Benign (1); Likely benign (3). 1 of the submissions does not count toward it. Last evaluated 2025-08-06.

Conditions:
MYH14-related disorder. Also called: MYH14-related condition.
Autosomal dominant nonsyndromic hearing loss 4A. Also called: Deafness, autosomal dominant 4A. Identifiers: Orphanet 90635, MedGen C1833503, MONDO:0010915, OMIM 600652.

Allele frequency attached by ClinVar (database versions not stated): gnomAD exomes 0.00005 and 0.00027; TOPMed 0.00009; gnomAD 0.00011 and 0.00013; ExAC 0.00028; 1000 Genomes Project 0.00080; 1000 Genomes Project 30x 0.00094.
gnomAD v4.1: 109 of 1,613,966 alleles (0.0068%); highest among the groups gnomAD compares: East Asian, 0.2%; no homozygotes.

Submissions (5):

Labcorp Genetics (formerly Invitae), Labcorp
Classification: Likely benign. Last evaluated: 2025-08-06. Review status: criteria provided, single submitter. Criteria: Invitae Variant Classification Sherloc (09022015). Collection method: clinical testing. Allele origin: germline.

Blueprint Genetics
Classification: Likely benign. Last evaluated: 2024-04-19. Review status: criteria provided, single submitter. Criteria: ACMG Guidelines, 2015. Collection method: clinical testing. Allele origin: germline.

GeneDx
Classification: Likely benign. Last evaluated: 2020-01-07. Review status: criteria provided, single submitter. Criteria: GeneDx Variant Classification Process June 2021. Collection method: clinical testing. Allele origin: germline. Affected: yes.

Illumina Laboratory Services, Illumina
Classification: Benign for Autosomal dominant nonsyndromic hearing loss 4A. Last evaluated: 2017-04-27. Review status: criteria provided, single submitter. Criteria: ICSL Variant Classification Criteria 13 December 2019. Collection method: clinical testing. Allele origin: germline.
Comment: This variant was observed as part of a predisposition screen in an ostensibly healthy population. A literature search was performed for the gene, cDNA change, and amino acid change (where applicable). No publications were found based on this search. Allele frequency data from public databases was too high to be consistent with this variant causing disease. Therefore, this variant is classified as benign.

PreventionGenetics, part of Exact Sciences
Classification: Likely benign for MYH14-related condition. Last evaluated: 2019-10-01. Review status: no assertion criteria provided. Collection method: clinical testing. Allele origin: germline. Not counted in ClinVar's aggregate classification.
Comment: This variant is classified as likely benign based on ACMG/AMP sequence variant interpretation guidelines (Richards et al. 2015 PMID: 25741868, with internal and published modifications).

NM_001145809.2(MYH14):c.1133C>T (p.Ser378Leu)

Gene: MYH14 (myosin heavy chain 14; plus strand). Cytogenetic location: 19q13.33.
Variant type: single nucleotide variant.
Coding change: c.1133C>T on transcript NM_001145809.2 (MANE Select); coding-DNA position 1133, C replaced by T.
Protein change: p.Ser378Leu; replaces serine 378 with leucine.
Molecular consequence: missense variant.
Genome position (GRCh38, 1-based): chr19:50,244,260, C>T. VCF-style: chr19-50244260-C-T. GRCh37 (hg19) VCF-style: chr19-50747517-C-T.
Other names: c.1133C>T (NM_001145809.1); c.1133C>T, p.Ser378Leu (NM_001077186.2); c.1109C>T, p.Ser370Leu (NM_024729.4); short protein forms S370L, S378L.
Identifiers: ClinVar variation 731851 (VCV000731851.17), dbSNP rs150806988, ClinGen allele CA9592532.
Genomic context (GRCh38, chr19:50,244,260, plus strand): 5'-GGGGTCCAGAGCCACACGTGACCTCTGTCCTTGCGTCCCCAGCCATGCTGCGGATGGTCT[C>T]AGCAGTTCTCCAGTTTGGCAACATTGCCTTGAAGAGAGAACGGAACACCGATCAAGCCAC-3'
Protein context (NP_001139281.1, residues 368-388): EEIISMLRMV[Ser378Leu]AVLQFGNIAL